The following is an entry in ClinVar:

NM_020297.4(ABCC9):c.23A>G (p.Asn8Ser)

Gene: ABCC9 (ATP binding cassette subfamily C member 9; minus strand). Cytogenetic location: 12p12.1.
Variant type: single nucleotide variant.
Coding change: c.23A>G on transcript NM_020297.4 (MANE Select); coding-DNA position 23, A replaced by G.
Protein change: p.Asn8Ser; replaces asparagine 8 with serine.
Molecular consequence: missense variant. On other transcripts: 5 prime UTR variant (1).
Genome position (GRCh38, 1-based): chr12:21,936,652, T>C on the plus strand (A>G on the coding strand, the complement: ABCC9 is on the minus strand). VCF-style: chr12-21936652-T-C. GRCh37 (hg19) VCF-style: chr12-22089586-T-C.
Other names: c.23A>G, p.Asn8Ser (NM_001377273.1, NM_005691.4); c.-432A>G (NM_001377274.1); short protein forms N8S.
Identifiers: ClinVar variation 650739 (VCV000650739.10), dbSNP rs1591761089, ClinGen allele CA384133974.

ClinVar aggregate classification (germline): Uncertain significance (1 of 4 stars; one submission).

Conditions:
Dilated cardiomyopathy 1O (CMD1O). Also called: CARDIOMYOPATHY, DILATED, WITH VENTRICULAR TACHYCARDIA. Identifiers: Orphanet 154, MedGen C1837839, MONDO:0012062, OMIM 608569.

Submission:

Labcorp Genetics (formerly Invitae), Labcorp
Classification: Uncertain significance for Dilated cardiomyopathy 1O. Last evaluated: 2023-05-08. Review status: criteria provided, single submitter. Criteria: Invitae Variant Classification Sherloc (09022015). Collection method: clinical testing. Allele origin: germline.
Comment: In summary, the available evidence is currently insufficient to determine the role of this variant in disease. Therefore, it has been classified as a Variant of Uncertain Significance. Advanced modeling of protein sequence and biophysical properties (such as structural, functional, and spatial information, amino acid conservation, physicochemical variation, residue mobility, and thermodynamic stability) performed at Invitae indicates that this missense variant is not expected to disrupt ABCC9 protein function. ClinVar contains an entry for this variant (Variation ID: 650739). This variant has not been reported in the literature in individuals affected with ABCC9-related conditions. This variant is not present in population databases (gnomAD no frequency). This sequence change replaces asparagine, which is neutral and polar, with serine, which is neutral and polar, at codon 8 of the ABCC9 protein (p.Asn8Ser).